The following is an entry in ClinVar:

ClinVar aggregate classification (germline): Likely pathogenic (1 of 4 stars; one submission).

Conditions:
Neuropathy, hereditary sensory and autonomic, type 2A (HSAN2A). Also called: MORVAN DISEASE; NEUROPATHY, CONGENITAL SENSORY; NEUROPATHY, HEREDITARY SENSORY RADICULAR, AUTOSOMAL RECESSIVE; NEUROPATHY, HEREDITARY SENSORY, TYPE IIA; NEUROPATHY, PROGRESSIVE SENSORY, OF CHILDREN; WNK1-Related HSAN2 (HSAN2A). Identifiers: Orphanet 970, MedGen C2752089, MONDO:0024309, OMIM 201300.

Submission:

Department of Pediatrics, GMC Srinagar, Government Medical College Srinagar
Classification: Likely pathogenic for Neuropathy, hereditary sensory and autonomic, type 2A. Last evaluated: 2025-11-27. Review status: criteria provided, single submitter. Criteria: ACMG Guidelines, 2015. Collection method: clinical testing. Allele origin: germline. Inheritance: Autosomal recessive inheritance. Affected: yes. Observed: 1 homozygote.
Comment: This variant (hg38 - chr12:868297 C>A) is classified as likely pathogenic as it a stop-gain variant (LOF is mechanism of disease, NMD is predicted) and is absent in population databases [e.g., gnomAD v.4.1.0]. Indication for testing: Hereditary neuropathy.

NM_213655.5(WNK1):c.2826C>A (p.Tyr942Ter)

Gene: WNK1 (WNK lysine deficient protein kinase 1; plus strand). Cytogenetic location: 12p13.33.
Variant type: single nucleotide variant.
Coding change: c.2826C>A on transcript NM_213655.5 (MANE Plus Clinical); coding-DNA position 2826, C replaced by A.
Protein change: p.Tyr942Ter; replaces tyrosine 942 with a stop codon.
Molecular consequence: nonsense. On other transcripts: intron variant (2).
Genome position (GRCh38, 1-based): chr12:868,297, C>A. VCF-style: chr12-868297-C-A. GRCh37 (hg19) VCF-style: chr12-977463-C-A.
Other names: c.2571C>A, p.Tyr857Ter (NM_001184985.2); c.2140-2968C>A (NM_018979.4, NM_014823.3); short protein forms Y857*, Y942*.
Identifiers: ClinVar variation 4532280 (VCV004532280.1).